The following is an entry in ClinVar:

ClinVar aggregate classification (germline): Likely benign. Review status: criteria provided, single submitter (1 of 4 stars). 2 submissions from 2 submitters: Likely benign (1). 1 of the submissions does not count toward it. Last evaluated 2016-10-04.

Conditions:
KIF7-related disorder. Also called: KIF7-related condition.

Allele frequency attached by ClinVar (database versions not stated): TOPMed 0.00001.
gnomAD v4.1: 3 of 1,466,596 alleles (0.0002%); highest among the groups gnomAD compares: South Asian, 0.0025%; no homozygotes.

Submissions (2):

Genetic Services Laboratory, University of Chicago
Classification: Likely benign. Last evaluated: 2016-10-04. Review status: criteria provided, single submitter. Criteria: ACMG Guidelines, 2015. Collection method: clinical testing. Allele origin: germline. Affected: no.

PreventionGenetics, part of Exact Sciences
Classification: Likely benign for KIF7-related condition. Last evaluated: 2019-06-14. Review status: no assertion criteria provided. Collection method: clinical testing. Allele origin: germline. Not counted in ClinVar's aggregate classification.
Comment: This variant is classified as likely benign based on ACMG/AMP sequence variant interpretation guidelines (Richards et al. 2015 PMID: 25741868, with internal and published modifications).

NM_198525.3(KIF7):c.1353C>A (p.Arg451=)

Gene: KIF7 (kinesin family member 7; minus strand). Cytogenetic location: 15q26.1.
Variant type: single nucleotide variant.
Coding change: c.1353C>A on transcript NM_198525.3 (MANE Select); coding-DNA position 1353, C replaced by A.
Protein change: p.Arg451=; no amino-acid change (arginine 451 retained).
Molecular consequence: synonymous variant.
Genome position (GRCh38, 1-based): chr15:89,648,345, G>T on the plus strand (C>A on the coding strand, the complement: KIF7 is on the minus strand). VCF-style: chr15-89648345-G-T. GRCh37 (hg19) VCF-style: chr15-90191576-G-T.
Identifiers: ClinVar variation 435646 (VCV000435646.8), dbSNP rs1026714192, ClinGen allele CA274582417.